The following is an entry in ClinVar:

NM_015215.4(CAMTA1):c.-10G>C

Genes: CAMTA1 (calmodulin binding transcription activator 1; plus strand), LOC129929266 (ATAC-STARR-seq lymphoblastoid silent region 177; plus strand). Cytogenetic location: 1p36.31.
Variant type: single nucleotide variant.
Coding change: c.-10G>C on transcript NM_015215.4 (MANE Select); 10 bases upstream of the start codon, G replaced by C.
Molecular consequence: 5 prime UTR variant. On other transcripts: non-coding transcript variant (4).
Genome position (GRCh38, 1-based): chr1:6,785,521, G>C. VCF-style: chr1-6785521-G-C. GRCh37 (hg19) VCF-style: chr1-6845581-G-C.
Other names: c.-10G>C (NM_001195563.2, NM_001242701.2, NM_001349609.2 and 4 more transcripts); c.-30G>C (NM_001349608.2, NM_001349612.2).
Identifiers: ClinVar variation 3345920 (VCV003345920.1).
Genomic context (GRCh38, chr1:6,785,521, plus strand): 5'-GGGTGGCTGGGCCGGCGGCGGCGGCGGTACGAGGCGCGCGCTCGGGGTCCCGGTCGCGAG[G>C]AGGAGGAGGATGTGGCGCGCGGAGGGGAAATGGCTGCCGAAAACAAGCCGGAAGGTAAGA-3'

ClinVar aggregate classification (germline): Likely benign (0 of 4 stars; one submission).

Conditions:
CAMTA1-related disorder. Also called: CAMTA1-related condition.

Submission:

PreventionGenetics, part of Exact Sciences
Classification: Likely benign for CAMTA1-related condition. Last evaluated: 2024-04-18. Review status: no assertion criteria provided. Collection method: clinical testing. Allele origin: germline.
Comment: This variant is classified as likely benign based on ACMG/AMP sequence variant interpretation guidelines (Richards et al. 2015 PMID: 25741868, with internal and published modifications).